The following is an entry in ClinVar:

NM_024422.6(DSC2):c.1625dup (p.Asn542fs)

Gene: DSC2 (desmocollin 2; minus strand). Cytogenetic location: 18q12.1.
Variant type: Duplication.
Coding change: c.1625dup on transcript NM_024422.6 (MANE Select); coding-DNA position 1625, one base duplicated (A; older notation c.1625dupA).
Protein change: p.Asn542fs; shifts the reading frame from asparagine 542.
Molecular consequence: frameshift variant.
Genome position (GRCh38, 1-based): chr18:31,079,885, T duplicated on the plus strand (A on the coding strand, the reverse complement: DSC2 is on the minus strand); the first of 5 consecutive T bases (chr18:31,079,885-31,079,889); duplicating any one gives the same sequence. VCF-style (leftmost placement, unchanged base first): chr18-31079884-A-AT. GRCh37 (hg19) VCF-style: chr18-28659850-A-AT.
Other names: c.1196dup, p.Asn399fs (NM_001406506.1, NM_001406507.1); c.1625dup, p.Asn542fs (NM_004949.5); short protein forms N399fs, N542fs.
Identifiers: ClinVar variation 3072285 (VCV003072285.2), dbSNP rs2510946567, ClinGen allele CA913189068.
Genomic context (GRCh38, chr18:31,079,884, plus strand): 5'-CTGGCTTAAAGACAAATTCTTACCTTGGTCTGATGCAAGGACTGTAATATTATATATGCC[A>AT]TTTTTGATGGTCTCTGCCTCTCTATCCAGGCTTCTGAAAACTTTGATTGATCCTGTATTT-3'

ClinVar aggregate classification (germline): Uncertain significance (1 of 4 stars; one submission).

Conditions:
Familial isolated arrhythmogenic right ventricular dysplasia. Identifiers: Orphanet 217656, MedGen C4274968, MONDO:0016342.

Submission:

All of Us Research Program, National Institutes of Health
Classification: Uncertain significance for Familial isolated arrhythmogenic right ventricular dysplasia. Last evaluated: 2024-09-18. Review status: criteria provided, single submitter. Criteria: ACMG Guidelines, 2015. Collection method: clinical testing. Allele origin: germline. Inheritance: Autosomal dominant inheritance. Observed: 2 variant alleles, 2 heterozygotes.
Comment: This study involves interpretation of variants in research participants for the purpose of population health screening. Participant phenotype was not available at the time of variant classification. Additional details can be found in publication PMID: 35346344, PMCID: PMC8962531